The following is an entry in ClinVar:

NM_001374353.1(GLI2):c.1766G>A (p.Arg589His)

Gene: GLI2 (GLI family zinc finger 2; plus strand). Cytogenetic location: 2q14.2.
Variant type: single nucleotide variant.
Coding change: c.1766G>A on transcript NM_001374353.1 (MANE Select); coding-DNA position 1766, G replaced by A.
Protein change: p.Arg589His; replaces arginine 589 with histidine.
Molecular consequence: missense variant.
Genome position (GRCh38, 1-based): chr2:120,984,604, G>A. VCF-style: chr2-120984604-G-A. GRCh37 (hg19) VCF-style: chr2-121742180-G-A.
Other names: c.1817G>A, p.Arg606His (NM_001371271.1, NM_005270.5); c.1391G>A, p.Arg464His (NM_001374354.1); short protein forms R606H, R464H, R589H.
Identifiers: ClinVar variation 2367342 (VCV002367342.8), dbSNP rs745409561, ClinGen allele CA1852027.

ClinVar aggregate classification (germline): Uncertain significance. Review status: criteria provided, multiple submitters, no conflicts (2 of 4 stars). 4 submissions from 4 submitters: Uncertain significance (4). Last evaluated 2024-06-29.

Conditions:
Holoprosencephaly 9 (HPE9). Also called: HOLOPROSENCEPHALY WITH MICROPHTHALMIA AND FIRST BRANCHIAL ARCH ANOMALIES; PITUITARY ANOMALIES WITH HOLOPROSENCEPHALY-LIKE FEATURES. Identifiers: Orphanet 2162, MedGen C1835819, MONDO:0012563, OMIM 610829.
Postaxial polydactyly-anterior pituitary anomalies-facial dysmorphism syndrome. Also called: Culler-Jones syndrome. Identifiers: Orphanet 420584, MedGen C4014479, MONDO:0014369, OMIM 615849.
Inborn genetic diseases. Identifiers: MedGen C0950123, MeSH D030342.

Allele frequency attached by ClinVar (database versions not stated): gnomAD 0.00003.

Submissions (4):

Labcorp Genetics (formerly Invitae), Labcorp
Classification: Uncertain significance for Postaxial polydactyly-anterior pituitary anomalies-facial dysmorphism syndrome; Holoprosencephaly 9. Last evaluated: 2024-06-29. Review status: criteria provided, single submitter. Criteria: Invitae Variant Classification Sherloc (09022015). Collection method: clinical testing. Allele origin: germline.
Comment: This sequence change replaces arginine, which is basic and polar, with histidine, which is basic and polar, at codon 606 of the GLI2 protein (p.Arg606His). This variant is present in population databases (rs745409561, gnomAD 0.004%). This variant has not been reported in the literature in individuals affected with GLI2-related conditions. ClinVar contains an entry for this variant (Variation ID: 2367342). Advanced modeling of protein sequence and biophysical properties (such as structural, functional, and spatial information, amino acid conservation, physicochemical variation, residue mobility, and thermodynamic stability) performed at Invitae indicates that this missense variant is expected to disrupt GLI2 protein function with a positive predictive value of 80%. In summary, the available evidence is currently insufficient to determine the role of this variant in disease. Therefore, it has been classified as a Variant of Uncertain Significance.

Blueprint Genetics
Classification: Uncertain significance. Last evaluated: 2024-02-16. Review status: criteria provided, single submitter. Criteria: ACMG Guidelines, 2015. Collection method: clinical testing. Allele origin: germline.

Ambry Genetics
Classification: Uncertain significance for Inborn genetic diseases. Last evaluated: 2021-07-14. Review status: criteria provided, single submitter. Criteria: Ambry Variant Classification Scheme 2023. Collection method: clinical testing. Allele origin: germline.

Revvity Omics, Revvity
Classification: Uncertain significance. Last evaluated: 2021-03-12. Review status: criteria provided, single submitter. Criteria: ACMG Guidelines, 2015. Collection method: clinical testing. Allele origin: germline.